The following is an entry in ClinVar:

ClinVar aggregate classification (germline): Benign/Likely benign. Review status: criteria provided, multiple submitters, no conflicts (2 of 4 stars). 14 submissions from 14 submitters: Benign (9); Likely benign (1). 4 of the submissions do not count toward it. Last evaluated 2026-02-04.

Conditions:
PMM2-congenital disorder of glycosylation. Also called: PMM2-CDG; JAEKEN SYNDROME; PHOSPHOMANNOMUTASE 2 DEFICIENCY; CARBOHYDRATE-DEFICIENT GLYCOPROTEIN SYNDROME, TYPE Ia; CDG Ia; Congenital disorder of glycosylation, type Ia. Identifiers: Orphanet 79318, MedGen C0349653, MONDO:0008907, OMIM 212065.

Allele frequency attached by ClinVar (database versions not stated): gnomAD 0.01239 and 0.01334; TOPMed 0.01283; ESP Exome Variant Server 0.01439; 1000 Genomes Project 0.01478; 1000 Genomes Project 30x 0.01483; gnomAD exomes 0.01652 and 0.01666; ExAC 0.01762.
gnomAD v4.1: 26,208 of 1,612,270 alleles (1.6%); highest among the groups gnomAD compares: South Asian, 3.4%; 325 homozygotes.

Submissions (14):

Labcorp Genetics (formerly Invitae), Labcorp
Classification: Benign for PMM2-congenital disorder of glycosylation. Last evaluated: 2026-02-04. Review status: criteria provided, single submitter. Criteria: Invitae Variant Classification Sherloc (09022015). Collection method: clinical testing. Allele origin: germline.

Mayo Clinic Laboratories, Mayo Clinic
Classification: Benign. Last evaluated: 2025-07-25. Review status: criteria provided, single submitter. Criteria: ACMG Guidelines, 2015. Collection method: clinical testing. Allele origin: germline. Observed: 44 variant alleles.
Comment: BS1, BS2, BP4, BP7

Blueprint Genetics
Classification: Likely benign. Last evaluated: 2024-11-27. Review status: criteria provided, single submitter. Criteria: ACMG Guidelines, 2015. Collection method: clinical testing. Allele origin: germline.

Fulgent Genetics
Classification: Benign for PMM2-congenital disorder of glycosylation. Last evaluated: 2021-09-21. Review status: criteria provided, single submitter. Criteria: ACMG Guidelines, 2015. Collection method: clinical testing. Allele origin: unknown.

Illumina Laboratory Services, Illumina
Classification: Benign for PMM2-congenital disorder of glycosylation. Last evaluated: 2018-01-12. Review status: criteria provided, single submitter. Criteria: ICSL Variant Classification Criteria 13 December 2019. Collection method: clinical testing. Allele origin: germline.
Comment: This variant was observed in the ICSL laboratory as part of a predisposition screen in an ostensibly healthy population. It had not been previously curated by ICSL or reported in the Human Gene Mutation Database (HGMD: prior to June 1st, 2018), and was therefore a candidate for classification through an automated scoring system. Utilizing variant allele frequency, disease prevalence and penetrance estimates, and inheritance mode, an automated score was calculated to assess if this variant is too frequent to cause the disease. Based on the score and internal cut-off values, a variant classified as benign is not then subjected to further curation. The score for this variant resulted in a classification of benign for this disease.

Women's Health and Genetics/Laboratory Corporation of America, LabCorp
Classification: Benign. Last evaluated: 2017-09-25. Review status: criteria provided, single submitter. Criteria: LabCorp Variant Classification Summary - May 2015. Collection method: clinical testing. Allele origin: germline.
Comment: Variant summary: The PMM2 c.324G>A (p.Ala108Ala) variant involves the alteration of a non-conserved nucleotide, resulting in a synonymous change. One in silico tool predicts a damaging outcome for this variant. 5/5 splice prediction tools predict no significant impact on normal splicing. ESE finder predicts that this variant may affect ESE site of SRp55. However, these predictions have yet to be confirmed by functional studies. This variant was found in 2137/121286 control chromosomes at a frequency of 0.0176195, which is approximately 3 times the estimated maximal expected allele frequency of a pathogenic PMM2 variant (0.0055902), suggesting this variant is likely a benign polymorphism. In addition, multiple clinical diagnostic laboratories/reputable databases classified this variant as benign. Taken together, this variant is classified as benign.

GeneDx
Classification: Benign. Last evaluated: 2016-02-23. Review status: criteria provided, single submitter. Criteria: GeneDx Variant Classification (06012015). Collection method: clinical testing. Allele origin: germline. Affected: yes.
Comment: This variant is considered likely benign or benign based on one or more of the following criteria: it is a conservative change, it occurs at a poorly conserved position in the protein, it is predicted to be benign by multiple in silico algorithms, and/or has population frequency not consistent with disease.

Genomic Diagnostic Laboratory, Division of Genomic Diagnostics, Children's Hospital of Philadelphia
Classification: Benign. Last evaluated: 2015-06-17. Review status: criteria provided, single submitter. Criteria: DGD Variant Analysis Guidelines. Collection method: clinical testing. Allele origin: unknown.

Breakthrough Genomics
Classification: Benign. Review status: criteria provided, single submitter. Criteria: ACMG Guidelines, 2015. Collection method: not provided. Allele origin: germline. Inheritance: Autosomal recessive inheritance. Affected: yes.

PreventionGenetics, part of Exact Sciences
Classification: Benign. Review status: criteria provided, single submitter. Criteria: ACMG Guidelines, 2015. Collection method: clinical testing. Allele origin: germline.

Natera, Inc.
Classification: Benign for Congenital disorder of glycosylation type 1a. Last evaluated: 2020-09-16. Review status: no assertion criteria provided. Collection method: clinical testing. Allele origin: germline. Not counted in ClinVar's aggregate classification.

Clinical Genetics, Academic Medical Center
Classification: Benign. Review status: no assertion criteria provided. Collection method: clinical testing. Allele origin: germline. Affected: yes. Study: VKGL Data-share Consensus. Not counted in ClinVar's aggregate classification.

Diagnostic Laboratory, Department of Genetics, University Medical Center Groningen
Classification: Benign for PMM2-congenital disorder of glycosylation. Review status: no assertion criteria provided. Collection method: clinical testing. Allele origin: germline. Affected: yes. Study: VKGL Data-share Consensus. Not counted in ClinVar's aggregate classification.

Genetic Services Laboratory, University of Chicago
Classification: Likely benign for AllHighlyPenetrant. Review status: no assertion criteria provided. Collection method: clinical testing. Allele origin: germline. Inheritance: Autosomal recessive inheritance. Not counted in ClinVar's aggregate classification.
Comment: Likely benign based on allele frequency in 1000 Genomes Project or ESP global frequency and its presence in a patient with a rare or unrelated disease phenotype. NOT Sanger confirmed.

Literature cited by the submitters: PubMed 11058895 (cited by Mayo Clinic Laboratories, Mayo Clinic); PubMed 11058896 (cited by Mayo Clinic Laboratories, Mayo Clinic); PubMed 15844218 (cited by Mayo Clinic Laboratories, Mayo Clinic and Women's Health and Genetics/Laboratory Corporation of America, LabCorp); PubMed 9497260 (cited by Women's Health and Genetics/Laboratory Corporation of America, LabCorp).

NM_000303.3(PMM2):c.324G>A (p.Ala108=)

Gene: PMM2 (phosphomannomutase 2; plus strand). Cytogenetic location: 16p13.2.
Variant type: single nucleotide variant.
Coding change: c.324G>A on transcript NM_000303.3 (MANE Select); coding-DNA position 324, G replaced by A.
Protein change: p.Ala108=; no amino-acid change (alanine 108 retained).
Molecular consequence: synonymous variant.
Genome position (GRCh38, 1-based): chr16:8,806,384, G>A. VCF-style: chr16-8806384-G-A. GRCh37 (hg19) VCF-style: chr16-8900241-G-A.
Other names: p.Ala108=.
Identifiers: ClinVar variation 129976 (VCV000129976.27), dbSNP rs62031146, ClinGen allele CA248704.